The following is an entry in ClinVar:

ClinVar aggregate classification (germline): Uncertain significance. Review status: criteria provided, multiple submitters, no conflicts (2 of 4 stars). 2 submissions from 2 submitters: Uncertain significance (2). Last evaluated 2025-05-06.

Conditions:
Inborn genetic diseases. Identifiers: MedGen C0950123, MeSH D030342.

Submissions (2):

GeneDx
Classification: Uncertain significance. Last evaluated: 2025-05-06. Review status: criteria provided, single submitter. Criteria: GeneDx Variant Classification Process June 2021. Collection method: clinical testing. Allele origin: germline. Affected: yes.
Comment: Not observed at significant frequency in large population cohorts (gnomAD); In silico analysis supports that this missense variant has a deleterious effect on protein structure/function; Has not been previously published as pathogenic or benign to our knowledge

Ambry Genetics
Classification: Uncertain significance for Inborn genetic diseases. Last evaluated: 2022-02-08. Review status: criteria provided, single submitter. Criteria: Ambry Variant Classification Scheme 2023. Collection method: clinical testing. Allele origin: germline.
Comment: The c.5894A>G (p.Y1965C) alteration is located in coding exon 40 of the CACNA1A gene. This alteration results from an A to G substitution at nucleotide position 5894, causing the tyrosine (Y) at amino acid position 1965 to be replaced by a cysteine (C). This variant was not reported in population-based cohorts in the Genome Aggregation Database (gnomAD). This amino acid position is well conserved in available vertebrate species. The in silico prediction for this alteration is inconclusive. Based on insufficient or conflicting evidence, the clinical significance of this alteration remains unclear.

NM_001127222.2(CACNA1A):c.5891A>G (p.Tyr1964Cys)

Gene: CACNA1A (calcium voltage-gated channel subunit alpha1 A; minus strand). Cytogenetic location: 19p13.13.
Variant type: single nucleotide variant.
Coding change: c.5891A>G on transcript NM_001127222.2 (MANE Select); coding-DNA position 5891, A replaced by G.
Protein change: p.Tyr1964Cys; replaces tyrosine 1964 with cysteine.
Molecular consequence: missense variant.
Genome position (GRCh38, 1-based): chr19:13,214,282, T>C on the plus strand (A>G on the coding strand, the complement: CACNA1A is on the minus strand). VCF-style: chr19-13214282-T-C. GRCh37 (hg19) VCF-style: chr19-13325096-T-C.
Other names: c.5909A>G, p.Tyr1970Cys (NM_000068.4, NM_023035.3); c.5894A>G, p.Tyr1965Cys (NM_001127221.2); c.5900A>G, p.Tyr1967Cys (NM_001174080.2); short protein forms Y1965C, Y1964C, Y1967C, Y1970C.
Identifiers: ClinVar variation 522072 (VCV000522072.7), dbSNP rs1555732391, ClinGen allele CA404334101.
Genomic context (GRCh38, chr19:13,214,282, plus strand): 5'-GAACAGCGCACCTGCTCCTCGCGCATGGCCTGCAGCTTCTTGGCCTTGCTCTGCCGGTAG[T>C]ACTCCATGATCATCATGGCTGCGTAGATCTTCCCCACGGTGAGGTCCGTGGCTGGGGGCA-3'
Protein context (NP_001120694.1, residues 1954-1974): KIYAAMMIME[Tyr1964Cys]YRQSKAKKLQ